The following is an entry in ClinVar:

ClinVar aggregate classification (germline): Uncertain significance. Review status: criteria provided, multiple submitters, no conflicts (2 of 4 stars). 2 submissions from 2 submitters: Uncertain significance (2). Last evaluated 2024-11-21.

Conditions:
Hereditary cancer-predisposing syndrome. Also called: Tumor predisposition; Hereditary neoplastic syndrome; Neoplastic Syndromes, Hereditary; Hereditary Cancer Syndrome. Identifiers: Orphanet 140162, MedGen C0027672, MeSH D009386, MONDO:0015356.

Allele frequency attached by ClinVar (database versions not stated): gnomAD exomes below 0.00001; ExAC 0.00001.
gnomAD v4.1: 2 of 1,613,850 alleles (0.00012%); highest among the groups gnomAD compares: Admixed American, 0.0017%; no homozygotes.

Submissions (2):

Labcorp Genetics (formerly Invitae), Labcorp
Classification: Uncertain significance. Last evaluated: 2024-11-21. Review status: criteria provided, single submitter. Criteria: Invitae Variant Classification Sherloc (09022015). Collection method: clinical testing. Allele origin: germline.
Comment: This sequence change replaces tyrosine, which is neutral and polar, with cysteine, which is neutral and slightly polar, at codon 2265 of the POLE protein (p.Tyr2265Cys). This variant is present in population databases (rs748851961, gnomAD 0.01%). This variant has not been reported in the literature in individuals affected with POLE-related conditions. ClinVar contains an entry for this variant (Variation ID: 1982157). Invitae Evidence Modeling of protein sequence and biophysical properties (such as structural, functional, and spatial information, amino acid conservation, physicochemical variation, residue mobility, and thermodynamic stability) indicates that this missense variant is not expected to disrupt POLE protein function with a negative predictive value of 80%. In summary, the available evidence is currently insufficient to determine the role of this variant in disease. Therefore, it has been classified as a Variant of Uncertain Significance.

Ambry Genetics
Classification: Uncertain significance for Hereditary cancer-predisposing syndrome. Last evaluated: 2024-02-09. Review status: criteria provided, single submitter. Criteria: Ambry Variant Classification Scheme 2023. Collection method: clinical testing. Allele origin: germline.
Comment: The p.Y2265C variant (also known as c.6794A>G), located in coding exon 49 of the POLE gene, results from an A to G substitution at nucleotide position 6794. The tyrosine at codon 2265 is replaced by cysteine, an amino acid with highly dissimilar properties. This amino acid position is conserved. In addition, this alteration is predicted to be tolerated by in silico analysis. Based on the available evidence, the clinical significance of this alteration remains unclear.

NM_006231.4(POLE):c.6794A>G (p.Tyr2265Cys)

Gene: POLE (DNA polymerase epsilon, catalytic subunit; minus strand). Cytogenetic location: 12q24.33.
Variant type: single nucleotide variant.
Coding change: c.6794A>G on transcript NM_006231.4 (MANE Select); coding-DNA position 6794, A replaced by G.
Protein change: p.Tyr2265Cys; replaces tyrosine 2265 with cysteine.
Molecular consequence: missense variant.
Genome position (GRCh38, 1-based): chr12:132,624,764, T>C on the plus strand (A>G on the coding strand, the complement: POLE is on the minus strand). VCF-style: chr12-132624764-T-C. GRCh37 (hg19) VCF-style: chr12-133201350-T-C.
Other names: c.6794A>G (NM_006231.2); short protein forms Y2265C.
Identifiers: ClinVar variation 1982157 (VCV001982157.5), dbSNP rs748851961, ClinGen allele CA6891962.
Genomic context (GRCh38, chr12:132,624,764, plus strand): 5'-CCCAGCTGTGGGTTCTTCTGCAGCAGCCACTCCAGGGTCTCCAGGAGGTACGACATGCCG[T>C]AGTGCTGGGCAATGTTCCGGAATATTCCGATCTGTTCCATGAAGACCTGCAGGAATAAAC-3'
Protein context (NP_006222.2, residues 2255-2275): IGIFRNIAQH[Tyr2265Cys]GMSYLLETLE